The following is an entry in ClinVar:

NM_213599.3(ANO5):c.752C>A (p.Pro251Gln)

Gene: ANO5 (anoctamin 5; plus strand). Cytogenetic location: 11p14.3.
Variant type: single nucleotide variant.
Coding change: c.752C>A on transcript NM_213599.3 (MANE Select); coding-DNA position 752, C replaced by A.
Protein change: p.Pro251Gln; replaces proline 251 with glutamine.
Molecular consequence: missense variant. On other transcripts: intron variant (2).
Genome position (GRCh38, 1-based): chr11:22,236,266, C>A. VCF-style: chr11-22236266-C-A. GRCh37 (hg19) VCF-style: chr11-22257812-C-A.
Other names: c.671C>A, p.Pro224Gln (NM_001441295.1); c.659C>A, p.Pro220Gln (NM_001441296.1, NM_001441302.1); c.632C>A, p.Pro211Gln (NM_001441297.1); c.710C>A, p.Pro237Gln (NM_001441300.1, NM_001410963.1); c.707C>A, p.Pro236Gln (NM_001441301.1, NM_001410964.1); c.607-3303C>A (NM_001441298.1); c.604-3303C>A (NM_001441299.1); c.749C>A, p.Pro250Gln (NM_001142649.2); and 1 more; short protein forms P236Q, P237Q, P250Q, P251Q, P225Q, P211Q, P220Q, P224Q.
Identifiers: ClinVar variation 4789394 (VCV004789394.1).
Genomic context (GRCh38, chr11:22,236,266, plus strand): 5'-GGAAGAAAAGGTTTGGGATTGAAAGACTGCTAAACTCTAACACTTACTCATCTGCCTATC[C>A]ACTCCATGATGTATGTATAGGTTTGATTGTGAAAATCTGAGCTTATTTTCCTCCTGCCAT-3'
Protein context (NP_998764.1, residues 241-261): LNSNTYSSAY[Pro251Gln]LHDGQYWKPS

ClinVar aggregate classification (germline): Uncertain significance (1 of 4 stars; one submission).

Conditions:
Gnathodiaphyseal dysplasia (GDD). Also called: GNATHODIAPHYSEAL SCLEROSIS; OSTEOGENESIS IMPERFECTA WITH UNUSUAL SKELETAL LESIONS. Identifiers: Orphanet 53697, MedGen C1833736, MONDO:0008151, OMIM 166260.
Autosomal recessive limb-girdle muscular dystrophy type 2L (LGMDR12). Also called: Limb-girdle muscular dystrophy, type 2L; MUSCULAR DYSTROPHY, LIMB-GIRDLE, AUTOSOMAL RECESSIVE 12; Limb-Girdle Muscular Dystrophy R12 Anoctamin-5-Related (LGMD-R12). Identifiers: Orphanet 206549, MedGen C1969785, MONDO:0012652, OMIM 611307.

Submission:

Labcorp Genetics (formerly Invitae), Labcorp
Classification: Uncertain significance for Autosomal recessive limb-girdle muscular dystrophy type 2L; Gnathodiaphyseal dysplasia. Last evaluated: 2025-04-18. Review status: criteria provided, single submitter. Criteria: Invitae Variant Classification Sherloc (09022015). Collection method: clinical testing. Allele origin: germline.
Comment: This sequence change replaces proline, which is neutral and non-polar, with glutamine, which is neutral and polar, at codon 251 of the ANO5 protein (p.Pro251Gln). This variant is not present in population databases (gnomAD no frequency). This variant has not been reported in the literature in individuals affected with ANO5-related conditions. Invitae Evidence Modeling of protein sequence and biophysical properties (such as structural, functional, and spatial information, amino acid conservation, physicochemical variation, residue mobility, and thermodynamic stability) indicates that this missense variant is expected to disrupt ANO5 protein function with a positive predictive value of 95%. In summary, the available evidence is currently insufficient to determine the role of this variant in disease. Therefore, it has been classified as a Variant of Uncertain Significance.